The following is an entry in ClinVar:

ClinVar aggregate classification (germline): Likely benign. Review status: criteria provided, multiple submitters, no conflicts (2 of 4 stars). 2 submissions from 2 submitters: Likely benign (2). Last evaluated 2025-10-21.

Allele frequency attached by ClinVar (database versions not stated): ExAC 0.00005; gnomAD 0.00007 and 0.00008; gnomAD exomes 0.00007 and 0.00012; TOPMed 0.00008.
gnomAD v4.1: 190 of 1,614,044 alleles (0.012%); highest among the groups gnomAD compares: Non-Finnish European, 0.015%; no homozygotes.

Submissions (2):

Labcorp Genetics (formerly Invitae), Labcorp
Classification: Likely benign. Last evaluated: 2025-10-21. Review status: criteria provided, single submitter. Criteria: Invitae Variant Classification Sherloc (09022015). Collection method: clinical testing. Allele origin: germline.

CeGaT Center for Human Genetics Tuebingen
Classification: Likely benign. Last evaluated: 2023-11-01. Review status: criteria provided, single submitter. Criteria: CeGaT Center For Human Genetics Tuebingen Variant Classification Criteria Version 2. Collection method: clinical testing. Allele origin: germline. Affected: yes. Observed: 2 variant alleles.
Comment: GRM7: BP4, BP7

NM_000844.4(GRM7):c.2553C>T (p.His851=)

Gene: GRM7 (glutamate metabotropic receptor 7; plus strand). Cytogenetic location: 3p26.1.
Variant type: single nucleotide variant.
Coding change: c.2553C>T on transcript NM_000844.4 (MANE Select); coding-DNA position 2553, C replaced by T.
Protein change: p.His851=; no amino-acid change (histidine 851 retained).
Molecular consequence: synonymous variant.
Genome position (GRCh38, 1-based): chr3:7,680,150, C>T. VCF-style: chr3-7680150-C-T. GRCh37 (hg19) VCF-style: chr3-7721837-C-T.
Other names: c.2553C>T, p.His851= (NM_181874.3).
Identifiers: ClinVar variation 1570100 (VCV001570100.36), dbSNP rs748807964, ClinGen allele CA2235140.